The following is an entry in ClinVar:

NM_003239.5(TGFB3):c.905T>C (p.Leu302Ser)

Gene: TGFB3 (transforming growth factor beta 3; minus strand). Cytogenetic location: 14q24.3.
Variant type: single nucleotide variant.
Coding change: c.905T>C on transcript NM_003239.5 (MANE Select); coding-DNA position 905, T replaced by C.
Protein change: p.Leu302Ser; replaces leucine 302 with serine.
Molecular consequence: missense variant.
Genome position (GRCh38, 1-based): chr14:75,963,337, A>G on the plus strand (T>C on the coding strand, the complement: TGFB3 is on the minus strand). VCF-style: chr14-75963337-A-G. GRCh37 (hg19) VCF-style: chr14-76429680-A-G.
Other names: c.905T>C, p.Leu302Ser (NM_001329938.2, NM_001329939.2); short protein forms L302S.
Identifiers: ClinVar variation 1309700 (VCV001309700.2), dbSNP rs2140238082, ClinGen allele CA390468193.

ClinVar aggregate classification (germline): Uncertain significance (1 of 4 stars; one submission).

Allele frequency attached by ClinVar (database versions not stated): gnomAD exomes below 0.00001.
gnomAD v4.1: 1 of 1,614,116 alleles (0.000062%); highest among the groups gnomAD compares: South Asian, 0.0011%; no homozygotes.

Submission:

GeneDx
Classification: Uncertain significance. Last evaluated: 2019-11-12. Review status: criteria provided, single submitter. Criteria: GeneDx Variant Classification Process June 2021. Collection method: clinical testing. Allele origin: germline. Affected: yes.
Comment: Not observed in large population cohorts (Lek et al., 2016); In silico analysis, which includes protein predictors and evolutionary conservation, supports a deleterious effect; Has not been previously published as pathogenic or benign to our knowledge